The following is an entry in ClinVar:

NM_001122630.2(CDKN1C):c.*5+20G>T

Gene: CDKN1C (cyclin dependent kinase inhibitor 1C; minus strand). Cytogenetic location: 11p15.4.
Variant type: single nucleotide variant.
Coding change: c.*5+20G>T on transcript NM_001122630.2 (MANE Select); 20 bases into the intron after 5 bases downstream of the stop codon, G replaced by T.
Molecular consequence: intron variant.
Genome position (GRCh38, 1-based): chr11:2,883,979, C>A on the plus strand (G>T on the coding strand, the complement: CDKN1C is on the minus strand). VCF-style: chr11-2883979-C-A. GRCh37 (hg19) VCF-style: chr11-2905209-C-A.
Other names: c.391+20G>T (NM_001362475.2); c.*5+20G>T (NM_001122631.2, NM_001362474.2, NM_000076.2).
Identifiers: ClinVar variation 1692138 (VCV001692138.5), dbSNP rs760540648, ClinGen allele CA5822129.

ClinVar aggregate classification (germline): Conflicting classifications of pathogenicity. Review status: criteria provided, conflicting classifications (1 of 4 stars). 3 submissions from 3 submitters: Uncertain significance (2); Likely benign (1). Last evaluated 2025-12-08.

Conditions:
Beckwith-Wiedemann syndrome (BWS). Also called: Exomphalos macroglossia gigantism syndrome; EMG SYNDROME. Identifiers: Orphanet 116, MedGen C0004903, MONDO:0007534, OMIM 130650.
IMAGe syndrome. Also called: Intrauterine growth retardation, metaphyseal dysplasia, adrenal hypoplasia congenita, and genital anomalies; Intrauterine Growth Restriction, Metaphyseal Dysplasia, Adrenal Hypoplasia Congenita, and Genital Anomalies. Identifiers: Orphanet 85173, MedGen C1846009, MONDO:0013873, OMIM 614732.

gnomAD v4.1: 92 of 1,562,176 alleles (0.0059%); highest among the groups gnomAD compares: Non-Finnish European, 0.0074%; no homozygotes.

Submissions (3):

Labcorp Genetics (formerly Invitae), Labcorp
Classification: Likely benign for Beckwith-Wiedemann syndrome. Last evaluated: 2025-12-08. Review status: criteria provided, single submitter. Criteria: Invitae Variant Classification Sherloc (09022015). Collection method: clinical testing. Allele origin: germline.

Fulgent Genetics
Classification: Uncertain significance for Beckwith-Wiedemann syndrome; IMAGe syndrome. Last evaluated: 2024-03-20. Review status: criteria provided, single submitter. Criteria: ACMG Guidelines, 2015. Collection method: clinical testing. Allele origin: germline.

Sema4
Classification: Uncertain significance for Beckwith-Wiedemann syndrome. Last evaluated: 2022-01-20. Review status: criteria provided, single submitter. Criteria: Sema4 Curation Guidelines. Collection method: curation. Allele origin: germline.
Comment: The CDKN1C c.*5+20G>T variant has been reported in heterozygosity in at least five individuals across two generations from one large family with Wiedemann-Beckwith Syndrome (PMID: 15150778). All obligate carriers and affected individuals carry the mutation, and in each affected case, the allele was inherited maternally. It was observed in 3/161678 chromosomes in the large and broad cohorts of the Genome Aggregation Database (PMID: 32461654). This variant has not been reported in ClinVar. In silico tools suggest that this variant alters normal RNA splicing by creating a strong donor splice site 18 nucleotides downstream of the canonical splice site in intron 2. RNase protection assay showed reduced splicing efficiency but it has no apparent effect on the actual amount of spliced mRNA (PMID: 15150778). The evidence is insufficient to meet ACMG/AMP criteria for classifying the variant as benign or pathogenic. Thus, the clinical significance of this variant is currently uncertain.

Literature cited by the submitters: PubMed 15150778 (cited by Sema4).